The following is an entry in ClinVar:

NM_014363.6(SACS):c.11280G>A (p.Thr3760=)

Gene: SACS (sacsin molecular chaperone; minus strand). Cytogenetic location: 13q12.12.
Variant type: single nucleotide variant.
Coding change: c.11280G>A on transcript NM_014363.6 (MANE Select); coding-DNA position 11280, G replaced by A.
Protein change: p.Thr3760=; no amino-acid change (threonine 3760 retained).
Molecular consequence: synonymous variant.
Genome position (GRCh38, 1-based): chr13:23,332,596, C>T on the plus strand (G>A on the coding strand, the complement: SACS is on the minus strand). VCF-style: chr13-23332596-C-T. GRCh37 (hg19) VCF-style: chr13-23906735-C-T.
Other names: c.10839G>A, p.Thr3613= (NM_001278055.2).
Identifiers: ClinVar variation 698925 (VCV000698925.14), dbSNP rs193116488, ClinGen allele CA6910307.

ClinVar aggregate classification (germline): Likely benign. Review status: criteria provided, multiple submitters, no conflicts (2 of 4 stars). 3 submissions from 3 submitters: Likely benign (3). Last evaluated 2026-02-16.

Conditions:
Spastic paraplegia. Identifiers: MedGen C0037772, HP:0001258.
SACS-related disorder. Also called: SACS-related condition.

Allele frequency attached by ClinVar (database versions not stated): gnomAD 0.00003; TOPMed 0.00003; 1000 Genomes Project 30x 0.00016; 1000 Genomes Project 0.00020.

Submissions (3):

PreventionGenetics, part of Exact Sciences
Classification: Likely benign for SACS-related condition. Last evaluated: 2026-02-16. Review status: criteria provided, single submitter. Criteria: ACMG Guidelines, 2015. Collection method: clinical testing. Allele origin: germline.
Comment: This variant is classified as likely benign based on ACMG/AMP sequence variant interpretation guidelines (Richards et al. 2015 PMID: 25741868, with internal and published modifications).

Athena Diagnostics
Classification: Likely benign. Last evaluated: 2025-06-27. Review status: criteria provided, single submitter. Criteria: Athena Diagnostics Criteria. Collection method: clinical testing. Allele origin: unknown.
Comment: Computational tools yielded predictions that this variant is unlikely to have an effect on normal RNA splicing. This nucleotide position exhibits low evolutionary conservation.

Labcorp Genetics (formerly Invitae), Labcorp
Classification: Likely benign for Spastic paraplegia. Last evaluated: 2024-02-08. Review status: criteria provided, single submitter. Criteria: Invitae Variant Classification Sherloc (09022015). Collection method: clinical testing. Allele origin: germline.